The following is an entry in ClinVar:

NM_002291.3(LAMB1):c.3338C>T (p.Thr1113Ile)

Gene: LAMB1 (laminin subunit beta 1; minus strand). Cytogenetic location: 7q31.1.
Variant type: single nucleotide variant.
Coding change: c.3338C>T on transcript NM_002291.3 (MANE Select); coding-DNA position 3338, C replaced by T.
Protein change: p.Thr1113Ile; replaces threonine 1113 with isoleucine.
Molecular consequence: missense variant.
Genome position (GRCh38, 1-based): chr7:107,951,279, G>A on the plus strand (C>T on the coding strand, the complement: LAMB1 is on the minus strand). VCF-style: chr7-107951279-G-A. GRCh37 (hg19) VCF-style: chr7-107591724-G-A.
Other names: short protein forms T1113I.
Identifiers: ClinVar variation 2794480 (VCV002794480.3), dbSNP rs751719356, ClinGen allele CA368861780.
Genomic context (GRCh38, chr7:107,951,279, plus strand): 5'-AACTCACCTCGGCACTCCACGTCGGGGTCTCCCCAGAAGAGTTCCTGGCACTCGCTGCAG[G>A]TGCGGCCTCCAAACCCAGGCATGCACTGGCACTGCCCCGTGAACTGCGGCCAGAACACAG-3'
Protein context (NP_002282.2, residues 1103-1123): CQCMPGFGGR[Thr1113Ile]CSECQELFWG

ClinVar aggregate classification (germline): Uncertain significance (1 of 4 stars; one submission).

Allele frequency attached by ClinVar (database versions not stated): TOPMed below 0.00001.
gnomAD v4.1: 15 of 1,614,044 alleles (0.00093%); highest among the groups gnomAD compares: South Asian, 0.013%; 1 homozygote.

Submission:

Labcorp Genetics (formerly Invitae), Labcorp
Classification: Uncertain significance. Last evaluated: 2023-12-15. Review status: criteria provided, single submitter. Criteria: Invitae Variant Classification Sherloc (09022015). Collection method: clinical testing. Allele origin: germline.
Comment: This sequence change replaces threonine, which is neutral and polar, with isoleucine, which is neutral and non-polar, at codon 1113 of the LAMB1 protein (p.Thr1113Ile). This variant is present in population databases (no rsID available, gnomAD 0.01%). This variant has not been reported in the literature in individuals affected with LAMB1-related conditions. An algorithm developed to predict the effect of missense changes on protein structure and function (PolyPhen-2) suggests that this variant is likely to be disruptive. In summary, the available evidence is currently insufficient to determine the role of this variant in disease. Therefore, it has been classified as a Variant of Uncertain Significance.